The following is an entry in ClinVar:

ClinVar aggregate classification (germline): Uncertain significance (1 of 4 stars; one submission).

Conditions:
DICER1-related tumor predisposition. Also called: DICER1-related pleuropulmonary blastoma cancer predisposition syndrome; DICER1 syndrome. Identifiers: Orphanet 284343, MedGen C3839822, MONDO:0100216.

Submission:

Labcorp Genetics (formerly Invitae), Labcorp
Classification: Uncertain significance for DICER1-related tumor predisposition. Last evaluated: 2024-08-01. Review status: criteria provided, single submitter. Criteria: Invitae Variant Classification Sherloc (09022015). Collection method: clinical testing. Allele origin: germline.
Comment: This sequence change replaces isoleucine, which is neutral and non-polar, with phenylalanine, which is neutral and non-polar, at codon 829 of the DICER1 protein (p.Ile829Phe). This variant is not present in population databases (gnomAD no frequency). This variant has not been reported in the literature in individuals affected with DICER1-related conditions. ClinVar contains an entry for this variant (Variation ID: 2146287). Advanced modeling of protein sequence and biophysical properties (such as structural, functional, and spatial information, amino acid conservation, physicochemical variation, residue mobility, and thermodynamic stability) performed at Invitae indicates that this missense variant is not expected to disrupt DICER1 protein function with a negative predictive value of 80%. In summary, the available evidence is currently insufficient to determine the role of this variant in disease. Therefore, it has been classified as a Variant of Uncertain Significance.

NM_177438.3(DICER1):c.2485A>T (p.Ile829Phe)

Gene: DICER1 (dicer 1, ribonuclease III; minus strand). Cytogenetic location: 14q32.13.
Variant type: single nucleotide variant.
Coding change: c.2485A>T on transcript NM_177438.3 (MANE Select); coding-DNA position 2485, A replaced by T.
Protein change: p.Ile829Phe; replaces isoleucine 829 with phenylalanine.
Molecular consequence: missense variant. On other transcripts: non-coding transcript variant (6).
Genome position (GRCh38, 1-based): chr14:95,108,045, T>A on the plus strand (A>T on the coding strand, the complement: DICER1 is on the minus strand). VCF-style: chr14-95108045-T-A. GRCh37 (hg19) VCF-style: chr14-95574382-T-A.
Other names: c.2485A>T, p.Ile829Phe (NM_001195573.1, NM_001271282.3, NM_001291628.2 and 13 more transcripts); c.2203A>T, p.Ile735Phe (NM_001395686.1); c.2080A>T, p.Ile694Phe (NM_001395687.1, NM_001395688.1, NM_001395689.1 and 2 more transcripts); c.1918A>T, p.Ile640Phe (NM_001395691.1); c.802A>T, p.Ile268Phe (NM_001395697.1); short protein forms I640F, I268F, I694F, I735F, I829F.
Identifiers: ClinVar variation 2146287 (VCV002146287.4), dbSNP rs1038939677, ClinGen allele CA390881931.
Genomic context (GRCh38, chr14:95,108,045, plus strand): 5'-GTCTTGTAATCAACTCAAGCATTTGTAGAGACAACATGAAACCAGACTTCTTCAACTCAA[T>A]GGATATGGTAACCTCTCCAGAGCGTGTGTACACAGGAAAGTGTGGAATCTTAGCAAAAGG-3'
Protein context (NP_803187.1, residues 819-839): YTRSGEVTIS[Ile829Phe]ELKKSGFMLS